The following is an entry in ClinVar:

NM_001572.5(IRF7):c.944G>A (p.Gly315Asp)

Gene: IRF7 (interferon regulatory factor 7; minus strand). Cytogenetic location: 11p15.5.
Variant type: single nucleotide variant.
Coding change: c.944G>A on transcript NM_001572.5 (MANE Select); coding-DNA position 944, G replaced by A.
Protein change: p.Gly315Asp; replaces glycine 315 with aspartic acid.
Molecular consequence: missense variant.
Genome position (GRCh38, 1-based): chr11:613,499, C>T on the plus strand (G>A on the coding strand, the complement: IRF7 is on the minus strand). VCF-style: chr11-613499-C-T. GRCh37 (hg19) VCF-style: chr11-613499-C-T.
Other names: c.857G>A, p.Gly286Asp (NM_004029.4); c.983G>A, p.Gly328Asp (NM_004031.4); short protein forms G328D, G286D, G315D.
Identifiers: ClinVar variation 1959138 (VCV001959138.6), dbSNP rs1382640772, ClinGen allele CA378979410.

ClinVar aggregate classification (germline): Uncertain significance. Review status: criteria provided, multiple submitters, no conflicts (2 of 4 stars). 2 submissions from 2 submitters: Uncertain significance (2). Last evaluated 2024-10-23.

Conditions:
Immunodeficiency 39 (IMD39). Identifiers: Orphanet 574918, MedGen C4225358, MONDO:0014597, OMIM 616345.

Allele frequency attached by ClinVar (database versions not stated): TOPMed 0.00001.
gnomAD v4.1: 14 of 1,544,156 alleles (0.00091%); highest among the groups gnomAD compares: Middle Eastern, 0.035%; no homozygotes.

Submissions (2):

Labcorp Genetics (formerly Invitae), Labcorp
Classification: Uncertain significance for Immunodeficiency 39. Last evaluated: 2024-10-23. Review status: criteria provided, single submitter. Criteria: Invitae Variant Classification Sherloc (09022015). Collection method: clinical testing. Allele origin: germline.
Comment: This sequence change replaces glycine, which is neutral and non-polar, with aspartic acid, which is acidic and polar, at codon 328 of the IRF7 protein (p.Gly328Asp). The frequency data for this variant in the population databases is considered unreliable, as metrics indicate poor data quality at this position in the gnomAD database. This variant has not been reported in the literature in individuals affected with IRF7-related conditions. ClinVar contains an entry for this variant (Variation ID: 1959138). Invitae Evidence Modeling of protein sequence and biophysical properties (such as structural, functional, and spatial information, amino acid conservation, physicochemical variation, residue mobility, and thermodynamic stability) indicates that this missense variant is not expected to disrupt IRF7 protein function with a negative predictive value of 80%. In summary, the available evidence is currently insufficient to determine the role of this variant in disease. Therefore, it has been classified as a Variant of Uncertain Significance.

Ambry Genetics
Classification: Uncertain significance. Last evaluated: 2021-08-02. Review status: criteria provided, single submitter. Criteria: Ambry Variant Classification Scheme 2023. Collection method: clinical testing. Allele origin: germline.